The following is an entry in ClinVar:

NM_031857.2(PCDHA9):c.1419C>T (p.His473=)

Genes: PCDHA1 (protocadherin alpha 1; plus strand), PCDHA2 (protocadherin alpha 2; plus strand), PCDHA3 (protocadherin alpha 3; plus strand), PCDHA4 (protocadherin alpha 4; plus strand), PCDHA5 (protocadherin alpha 5; plus strand) and 5 more. Cytogenetic location: 5q31.3.
Variant type: single nucleotide variant.
Coding change: c.1419C>T on transcript NM_031857.2 (MANE Select); coding-DNA position 1419, C replaced by T.
Protein change: p.His473=; no amino-acid change (histidine 473 retained).
Molecular consequence: synonymous variant. On other transcripts: intron variant (10).
Genome position (GRCh38, 1-based): chr5:140,849,914, C>T. VCF-style: chr5-140849914-C-T. GRCh37 (hg19) VCF-style: chr5-140229499-C-T.
Other names: c.1419C>T, p.His473= (NM_014005.5); c.2394+61230C>T (NM_018900.4); c.1602+62022C>T (NM_031411.3); c.2388+52562C>T (NM_018905.3); c.2394+46323C>T (NM_018906.3); c.2385+40342C>T (NM_018907.4); c.2352+25787C>T (NM_018908.3); c.2394+19429C>T (NM_018909.4); and 3 more.
Identifiers: ClinVar variation 3045083 (VCV003045083.2), dbSNP rs151299460, ClinGen allele CA3450461.

ClinVar aggregate classification (germline): Likely benign (0 of 4 stars; one submission).

Conditions:
PCDHA9-related disorder. Also called: PCDHA9-related condition.

Allele frequency attached by ClinVar (database versions not stated): 1000 Genomes Project 30x 0.00250; gnomAD exomes 0.00026; gnomAD 0.00250.
gnomAD v4.1: 771 of 1,598,354 alleles (0.048%); highest among the groups gnomAD compares: African/African-American, 0.91%; 44 homozygotes.

Submission:

PreventionGenetics, part of Exact Sciences
Classification: Likely benign for PCDHA9-related condition. Last evaluated: 2021-04-12. Review status: no assertion criteria provided. Collection method: clinical testing. Allele origin: germline.
Comment: This variant is classified as likely benign based on ACMG/AMP sequence variant interpretation guidelines (Richards et al. 2015 PMID: 25741868, with internal and published modifications).